The following is an entry in ClinVar:

NM_000081.4(LYST):c.4289G>A (p.Arg1430Gln)

Gene: LYST (lysosomal trafficking regulator; minus strand). Cytogenetic location: 1q42.3.
Variant type: single nucleotide variant.
Coding change: c.4289G>A on transcript NM_000081.4 (MANE Select); coding-DNA position 4289, G replaced by A.
Protein change: p.Arg1430Gln; replaces arginine 1430 with glutamine.
Molecular consequence: missense variant.
Genome position (GRCh38, 1-based): chr1:235,791,953, C>T on the plus strand (G>A on the coding strand, the complement: LYST is on the minus strand). VCF-style: chr1-235791953-C-T. GRCh37 (hg19) VCF-style: chr1-235955253-C-T.
Other names: c.4289G>A, p.Arg1430Gln (NM_001301365.1); c.4289G>A (NM_000081.2); short protein forms R1430Q.
Identifiers: ClinVar variation 860271 (VCV000860271.6), dbSNP rs774438292, ClinGen allele CA1466880.
Genomic context (GRCh38, chr1:235,791,953, plus strand): 5'-GATGAAAGCAGCCGATGGGGAAAACTCTCTCTATCAGCCTCTTTCTTGCTCCGTGAAACT[C>T]GTGCTCTTCTCAATAAACCCATGGCCTTACTGTTTAAAATCCCAGGATACTTTTGTGATG-3'
Protein context (NP_000072.2, residues 1420-1440): SKAMGLLRRA[Arg1430Gln]VSRSKKEADR

ClinVar aggregate classification (germline): Uncertain significance. Review status: criteria provided, multiple submitters, no conflicts (2 of 4 stars). 2 submissions from 2 submitters: Uncertain significance (2). Last evaluated 2024-12-17.

Conditions:
Inborn genetic diseases. Identifiers: MedGen C0950123, MeSH D030342.
Chédiak-Higashi syndrome (CHS). Also called: Chediak-Higashi Syndrome. Identifiers: Orphanet 167, MedGen C0007965, MONDO:0008963, OMIM 214500.

Allele frequency attached by ClinVar (database versions not stated): TOPMed 0.00001; ExAC 0.00002.
gnomAD v4.1: 25 of 1,614,140 alleles (0.0015%); highest among the groups gnomAD compares: East Asian, 0.0045%; no homozygotes.

Submissions (2):

Ambry Genetics
Classification: Uncertain significance for Inborn genetic diseases. Last evaluated: 2024-12-17. Review status: criteria provided, single submitter. Criteria: Ambry Variant Classification Scheme 2023. Collection method: clinical testing. Allele origin: germline.

Labcorp Genetics (formerly Invitae), Labcorp
Classification: Uncertain significance for Chédiak-Higashi syndrome. Last evaluated: 2022-07-12. Review status: criteria provided, single submitter. Criteria: Invitae Variant Classification Sherloc (09022015). Collection method: clinical testing. Allele origin: germline.
Comment: This sequence change replaces arginine, which is basic and polar, with glutamine, which is neutral and polar, at codon 1430 of the LYST protein (p.Arg1430Gln). This variant is present in population databases (rs774438292, gnomAD 0.006%). This variant has not been reported in the literature in individuals affected with LYST-related conditions. ClinVar contains an entry for this variant (Variation ID: 860271). Algorithms developed to predict the effect of missense changes on protein structure and function (SIFT, PolyPhen-2, Align-GVGD) all suggest that this variant is likely to be tolerated. In summary, the available evidence is currently insufficient to determine the role of this variant in disease. Therefore, it has been classified as a Variant of Uncertain Significance.